The following is an entry in ClinVar:

NM_006939.4(SOS2):c.2065A>C (p.Asn689His)

Gene: SOS2 (SOS Ras/Rho guanine nucleotide exchange factor 2; minus strand). Cytogenetic location: 14q21.3.
Variant type: single nucleotide variant.
Coding change: c.2065A>C on transcript NM_006939.4 (MANE Select); coding-DNA position 2065, A replaced by C.
Protein change: p.Asn689His; replaces asparagine 689 with histidine.
Molecular consequence: missense variant.
Genome position (GRCh38, 1-based): chr14:50,153,166, T>G on the plus strand (A>C on the coding strand, the complement: SOS2 is on the minus strand). VCF-style: chr14-50153166-T-G. GRCh37 (hg19) VCF-style: chr14-50619884-T-G.
Other names: c.1966A>C, p.Asn656His (NM_001411020.1); short protein forms N689H, N656H.
Identifiers: ClinVar variation 1785282 (VCV001785282.2), dbSNP rs2502956106, ClinGen allele CA389644304.

ClinVar aggregate classification (germline): Uncertain significance (1 of 4 stars; one submission).

Conditions:
Cardiovascular phenotype. Identifiers: MedGen CN230736.

Submission:

Ambry Genetics
Classification: Uncertain significance for Cardiovascular phenotype. Last evaluated: 2022-04-21. Review status: criteria provided, single submitter. Criteria: Ambry Variant Classification Scheme 2023. Collection method: clinical testing. Allele origin: germline.
Comment: The p.N689H variant (also known as c.2065A>C), located in coding exon 13 of the SOS2 gene, results from an A to C substitution at nucleotide position 2065. The asparagine at codon 689 is replaced by histidine, an amino acid with similar properties. This amino acid position is conserved. In addition, the in silico prediction for this alteration is inconclusive. Since supporting evidence is limited at this time, the clinical significance of this alteration remains unclear.